The following is an entry in ClinVar:

ClinVar aggregate classification (germline): Uncertain significance (1 of 4 stars; one submission).

Conditions:
Inborn genetic diseases. Identifiers: MedGen C0950123, MeSH D030342.

Submission:

Ambry Genetics
Classification: Uncertain significance for Inborn genetic diseases. Last evaluated: 2022-01-05. Review status: criteria provided, single submitter. Criteria: Ambry Variant Classification Scheme 2023. Collection method: clinical testing. Allele origin: germline.
Comment: The p.H450P variant (also known as c.1349A>C), located in coding exon 7 of the PIK3CA gene, results from an A to C substitution at nucleotide position 1349. The histidine at codon 450 is replaced by proline, an amino acid with similar properties. This amino acid position is conserved. In addition, the in silico prediction for this alteration is inconclusive. Since supporting evidence is limited at this time, the clinical significance of this alteration remains unclear.

NM_006218.4(PIK3CA):c.1349A>C (p.His450Pro)

Gene: PIK3CA (phosphatidylinositol-4,5-bisphosphate 3-kinase catalytic subunit alpha; plus strand). Cytogenetic location: 3q26.32.
Variant type: single nucleotide variant.
Coding change: c.1349A>C on transcript NM_006218.4 (MANE Select); coding-DNA position 1349, A replaced by C.
Protein change: p.His450Pro; replaces histidine 450 with proline.
Molecular consequence: missense variant.
Genome position (GRCh38, 1-based): chr3:179,210,283, A>C. VCF-style: chr3-179210283-A-C. GRCh37 (hg19) VCF-style: chr3-178928071-A-C.
Other names: short protein forms H450P.
Identifiers: ClinVar variation 1770538 (VCV001770538.2), dbSNP rs2108400615, ClinGen allele CA355261921.